The following is an entry in ClinVar:

NM_003482.4(KMT2D):c.8860G>A (p.Gly2954Ser)

Gene: KMT2D (lysine methyltransferase 2D; minus strand). Cytogenetic location: 12q13.12.
Variant type: single nucleotide variant.
Coding change: c.8860G>A on transcript NM_003482.4 (MANE Select); coding-DNA position 8860, G replaced by A.
Protein change: p.Gly2954Ser; replaces glycine 2954 with serine.
Molecular consequence: missense variant.
Genome position (GRCh38, 1-based): chr12:49,038,496, C>T on the plus strand (G>A on the coding strand, the complement: KMT2D is on the minus strand). VCF-style: chr12-49038496-C-T. GRCh37 (hg19) VCF-style: chr12-49432279-C-T.
Other names: short protein forms G2954S.
Identifiers: ClinVar variation 3635129 (VCV003635129.2).

ClinVar aggregate classification (germline): Uncertain significance (1 of 4 stars; one submission).

Conditions:
Kabuki syndrome. Also called: NIIKAWA-KUROKI SYNDROME; Kabuki make-up syndrome. Identifiers: Orphanet 2322, MedGen C0796004, MONDO:0016512.

Submission:

Labcorp Genetics (formerly Invitae), Labcorp
Classification: Uncertain significance for Kabuki syndrome. Last evaluated: 2025-12-11. Review status: criteria provided, single submitter. Criteria: Invitae Variant Classification Sherloc (09022015). Collection method: clinical testing. Allele origin: germline.
Comment: This sequence change replaces glycine, which is neutral and non-polar, with serine, which is neutral and polar, at codon 2954 of the KMT2D protein (p.Gly2954Ser). This variant is not present in population databases (gnomAD no frequency). This variant has not been reported in the literature in individuals affected with KMT2D-related conditions. ClinVar contains an entry for this variant (Variation ID: 3635129). Invitae Evidence Modeling of protein sequence and biophysical properties (such as structural, functional, and spatial information, amino acid conservation, physicochemical variation, residue mobility, and thermodynamic stability) indicates that this missense variant is not expected to disrupt KMT2D protein function with a negative predictive value of 95%. In summary, the available evidence is currently insufficient to determine the role of this variant in disease. Therefore, it has been classified as a Variant of Uncertain Significance.